The following is an entry in ClinVar:

NM_213569.2(NEBL):c.357+73449dup

Gene: NEBL (nebulette; minus strand). Cytogenetic location: 10p12.31.
Variant type: Duplication.
Coding change: c.357+73449dup on transcript NM_213569.2; 73449 bases into the intron after coding-DNA position 357, one base duplicated (T; older notation c.357+73449dupT).
Molecular consequence: intron variant (on NM_006393.2).
Genome position (GRCh38, 1-based): chr10:20,888,215, A duplicated on the plus strand (T on the coding strand, the reverse complement: NEBL is on the minus strand); the first of 9 consecutive A bases (chr10:20,888,215-20,888,223); duplicating any one gives the same sequence. VCF-style (leftmost placement, unchanged base first): chr10-20888214-G-GA. GRCh37 (hg19) VCF-style: chr10-21177143-G-GA.
Other names: c.259-8dupT (NM_006393.2); c.249+73449dup (NM_001377326.1, NM_001377327.1, NM_001377328.1); c.357+73449dup (NM_001173484.2, NM_001377322.1); c.300+73449dup (NM_001377324.1); c.291+73449dup (NM_001377325.1); c.309+73449dup (NM_001377323.1); c.259-16dup (NM_006393.3).
Identifiers: ClinVar variation 45495 (VCV000045495.19), dbSNP rs57918610, ClinGen allele CA136440.

ClinVar aggregate classification (germline): Benign. Review status: criteria provided, multiple submitters, no conflicts (2 of 4 stars). 7 submissions from 7 submitters: Benign (4). 3 of the submissions do not count toward it. Last evaluated 2026-02-03.

Conditions:
NEBL-related disorder. Also called: NEBL-related condition.
Primary dilated cardiomyopathy (DCM). Also called: Dilated Cardiomyopathy. Identifiers: Orphanet 217604, MedGen C0007193, MeSH D002311, MONDO:0005021, HP:0001644. Inheritance: Various modes of inheritance.

Submissions (7):

Labcorp Genetics (formerly Invitae), Labcorp
Classification: Benign for Primary dilated cardiomyopathy. Last evaluated: 2026-02-03. Review status: criteria provided, single submitter. Criteria: Invitae Variant Classification Sherloc (09022015). Collection method: clinical testing. Allele origin: germline.

Women's Health and Genetics/Laboratory Corporation of America, LabCorp
Classification: Benign. Last evaluated: 2023-04-17. Review status: criteria provided, single submitter. Criteria: LabCorp Variant Classification Summary - May 2015. Collection method: clinical testing. Allele origin: germline.

Laboratory for Molecular Medicine, Mass General Brigham Personalized Medicine
Classification: Benign. Last evaluated: 2018-03-14. Review status: criteria provided, single submitter. Criteria: LMM Criteria. Collection method: clinical testing. Allele origin: germline. Observed: 100 variant alleles.
Comment: c.259-8dup in intron 3 of NEBL: This variant is classified as benign because it has been identified in 23% (4831/20832) of African chromosomes by the Genome Agg regation Database (gnomAD; dbSNP rs753190853). ACMG/AMP Criteria: BA1.

GeneDx
Classification: Benign. Last evaluated: 2017-10-26. Review status: criteria provided, single submitter. Criteria: GeneDx Variant Classification (06012015). Collection method: clinical testing. Allele origin: germline. Affected: yes.
Comment: This variant is considered likely benign or benign based on one or more of the following criteria: it is a conservative change, it occurs at a poorly conserved position in the protein, it is predicted to be benign by multiple in silico algorithms, and/or has population frequency not consistent with disease.

PreventionGenetics, part of Exact Sciences
Classification: Benign for NEBL-related condition. Last evaluated: 2019-05-20. Review status: no assertion criteria provided. Collection method: clinical testing. Allele origin: germline. Not counted in ClinVar's aggregate classification.
Comment: This variant is classified as benign based on ACMG/AMP sequence variant interpretation guidelines (Richards et al. 2015 PMID: 25741868, with internal and published modifications).

Clinical Genetics DNA and cytogenetics Diagnostics Lab, Erasmus MC, Erasmus Medical Center
Classification: Benign. Review status: no assertion criteria provided. Collection method: clinical testing. Allele origin: germline. Affected: yes. Study: VKGL Data-share Consensus. Not counted in ClinVar's aggregate classification.

Genome Diagnostics Laboratory, University Medical Center Utrecht
Classification: Benign. Review status: no assertion criteria provided. Collection method: clinical testing. Allele origin: germline. Affected: yes. Study: VKGL Data-share Consensus. Not counted in ClinVar's aggregate classification.